The following is an entry in ClinVar:

ClinVar aggregate classification (germline): Uncertain significance (1 of 4 stars; one submission).

Conditions:
Dilated cardiomyopathy 1G (CMD1G). Identifiers: Orphanet 154, MedGen C1858763, MONDO:0011400, OMIM 604145.
Autosomal recessive limb-girdle muscular dystrophy type 2J (LGMDR10). Also called: Limb-girdle muscular dystrophy, type 2J; MUSCULAR DYSTROPHY, LIMB-GIRDLE, AUTOSOMAL RECESSIVE 10. Identifiers: Orphanet 140922, MedGen C1837342, MONDO:0012127, OMIM 608807.

Submission:

Labcorp Genetics (formerly Invitae), Labcorp
Classification: Uncertain significance for Dilated cardiomyopathy 1G; Autosomal recessive limb-girdle muscular dystrophy type 2J. Last evaluated: 2025-03-16. Review status: criteria provided, single submitter. Criteria: Invitae Variant Classification Sherloc (09022015). Collection method: clinical testing. Allele origin: germline.
Comment: This sequence change replaces arginine, which is basic and polar, with methionine, which is neutral and non-polar, at codon 34424 of the TTN protein (p.Arg34424Met). This variant is not present in population databases (gnomAD no frequency). This variant has not been reported in the literature in individuals affected with TTN-related conditions. ClinVar contains an entry for this variant (Variation ID: 2057343). Experimental studies and prediction algorithms are not available or were not evaluated, and the functional significance of this variant is currently unknown. This variant is located in the M band of TTN (PMID: 25589632). Non-truncating variants in this region may be relevant for neuromuscular disorders, but have not been definitively shown to cause cardiomyopathy (PMID: 23975875). In summary, the available evidence is currently insufficient to determine the role of this variant in disease. Therefore, it has been classified as a Variant of Uncertain Significance.

Literature cited by the submitters: PubMed 25589632; PubMed 23975875.

NM_001267550.2(TTN):c.103271G>T (p.Arg34424Met)

Genes: TTN (titin; minus strand), TTN-AS1 (TTN antisense RNA 1; plus strand). Cytogenetic location: 2q31.2.
Variant type: single nucleotide variant.
Coding change: c.103271G>T on transcript NM_001267550.2 (MANE Select); coding-DNA position 103271, G replaced by T.
Protein change: p.Arg34424Met; replaces arginine 34424 with methionine.
Molecular consequence: missense variant.
Genome position (GRCh38, 1-based): chr2:178,533,344, C>A on the plus strand (G>T on the coding strand, the complement: TTN is on the minus strand). VCF-style: chr2-178533344-C-A. GRCh37 (hg19) VCF-style: chr2-179398071-C-A.
Other names: c.98348G>T, p.Arg32783Met (NM_001256850.1); c.76076G>T, p.Arg25359Met (NM_003319.4); c.95567G>T, p.Arg31856Met (NM_133378.4); c.76451G>T, p.Arg25484Met (NM_133432.3); c.76652G>T, p.Arg25551Met (NM_133437.4); short protein forms R32783M, R25359M, R25551M, R34424M, R25484M, R31856M.
Identifiers: ClinVar variation 2057343 (VCV002057343.4), dbSNP rs972117588, ClinGen allele CA349414637.